The following is an entry in ClinVar:

NM_003907.3(EIF2B5):c.1921G>A (p.Asp641Asn)

Gene: EIF2B5 (eukaryotic translation initiation factor 2B subunit epsilon; plus strand). Cytogenetic location: 3q27.1.
Variant type: single nucleotide variant.
Coding change: c.1921G>A on transcript NM_003907.3 (MANE Select); coding-DNA position 1921, G replaced by A.
Protein change: p.Asp641Asn; replaces aspartic acid 641 with asparagine.
Molecular consequence: missense variant.
Genome position (GRCh38, 1-based): chr3:184,144,150, G>A. VCF-style: chr3-184144150-G-A. GRCh37 (hg19) VCF-style: chr3-183861938-G-A.
Other names: short protein forms D641N.
Identifiers: ClinVar variation 2156340 (VCV002156340.3), dbSNP rs755934102, ClinGen allele CA2726849.

ClinVar aggregate classification (germline): Uncertain significance (1 of 4 stars; one submission).

Allele frequency attached by ClinVar (database versions not stated): gnomAD 0.00001; gnomAD exomes 0.00001; TOPMed 0.00001; ExAC 0.00004.
gnomAD v4.1: 17 of 1,614,082 alleles (0.0011%); highest among the groups gnomAD compares: Admixed American, 0.005%; no homozygotes.

Submission:

Labcorp Genetics (formerly Invitae), Labcorp
Classification: Uncertain significance. Last evaluated: 2024-12-09. Review status: criteria provided, single submitter. Criteria: Invitae Variant Classification Sherloc (09022015). Collection method: clinical testing. Allele origin: germline.
Comment: This sequence change replaces aspartic acid, which is acidic and polar, with asparagine, which is neutral and polar, at codon 641 of the EIF2B5 protein (p.Asp641Asn). This variant is present in population databases (rs755934102, gnomAD 0.01%). This variant has not been reported in the literature in individuals affected with EIF2B5-related conditions. ClinVar contains an entry for this variant (Variation ID: 2156340). Invitae Evidence Modeling of protein sequence and biophysical properties (such as structural, functional, and spatial information, amino acid conservation, physicochemical variation, residue mobility, and thermodynamic stability) indicates that this missense variant is not expected to disrupt EIF2B5 protein function with a negative predictive value of 80%. In summary, the available evidence is currently insufficient to determine the role of this variant in disease. Therefore, it has been classified as a Variant of Uncertain Significance.